The following is an entry in ClinVar:

NM_000271.5(NPC1):c.464-15G>A

Gene: NPC1 (NPC intracellular cholesterol transporter 1; minus strand). Cytogenetic location: 18q11.2.
Variant type: single nucleotide variant.
Coding change: c.464-15G>A on transcript NM_000271.5 (MANE Select); 15 bases into the intron before coding-DNA position 464, G replaced by A.
Molecular consequence: intron variant.
Genome position (GRCh38, 1-based): chr18:23,561,542, C>T on the plus strand (G>A on the coding strand, the complement: NPC1 is on the minus strand). VCF-style: chr18-23561542-C-T. GRCh37 (hg19) VCF-style: chr18-21141506-C-T.
Identifiers: ClinVar variation 2005132 (VCV002005132.4), dbSNP rs2059039344, ClinGen allele CA2580095643.

ClinVar aggregate classification (germline): Uncertain significance (1 of 4 stars; one submission).

Conditions:
Niemann-Pick disease, type C1. Also called: NIEMANN-PICK DISEASE, VARIANT TYPE C1; NEUROVISCERAL STORAGE DISEASE WITH VERTICAL SUPRANUCLEAR OPHTHALMOPLEGIA; NIEMANN-PICK DISEASE WITH CHOLESTEROL ESTERIFICATION BLOCK; NIEMANN-PICK DISEASE WITHOUT SPHINGOMYELINASE DEFICIENCY; NIEMANN-PICK DISEASE, CHRONIC NEURONOPATHIC FORM. Identifiers: Orphanet 646, MedGen C3179455, MONDO:0009757, OMIM 257220.

Submission:

Labcorp Genetics (formerly Invitae), Labcorp
Classification: Uncertain significance for Niemann-Pick disease, type C1. Last evaluated: 2024-09-30. Review status: criteria provided, single submitter. Criteria: Invitae Variant Classification Sherloc (09022015). Collection method: clinical testing. Allele origin: germline.
Comment: This sequence change falls in intron 4 of the NPC1 gene. It does not directly change the encoded amino acid sequence of the NPC1 protein. This variant is not present in population databases (gnomAD no frequency). This variant has not been reported in the literature in individuals affected with NPC1-related conditions. ClinVar contains an entry for this variant (Variation ID: 2005132). Algorithms developed to predict the effect of sequence changes on RNA splicing suggest that this variant may disrupt the consensus splice site. In summary, the available evidence is currently insufficient to determine the role of this variant in disease. Therefore, it has been classified as a Variant of Uncertain Significance.